The following is an entry in ClinVar:

ClinVar aggregate classification (germline): Conflicting classifications of pathogenicity. Review status: criteria provided, conflicting classifications (1 of 4 stars). 2 submissions from 2 submitters: Uncertain significance (1); Benign (1). Last evaluated 2025-03-13.

Allele frequency attached by ClinVar (database versions not stated): gnomAD 0.00056; 1000 Genomes Project 0.00040; 1000 Genomes Project 30x 0.00031; ESP Exome Variant Server 0.00054; TOPMed 0.00054; ExAC 0.00066.

Submissions (2):

GeneDx
Classification: Uncertain significance. Last evaluated: 2025-03-13. Review status: criteria provided, single submitter. Criteria: GeneDx Variant Classification Process June 2021. Collection method: clinical testing. Allele origin: germline. Affected: yes.
Comment: In silico analysis supports that this missense variant has a deleterious effect on protein structure/function; Has not been previously published as pathogenic or benign to our knowledge

Labcorp Genetics (formerly Invitae), Labcorp
Classification: Benign. Last evaluated: 2024-09-08. Review status: criteria provided, single submitter. Criteria: Invitae Variant Classification Sherloc (09022015). Collection method: clinical testing. Allele origin: germline.

NM_001142784.3(IL11RA):c.535C>T (p.Arg179Cys)

Gene: IL11RA (interleukin 11 receptor subunit alpha; plus strand). Cytogenetic location: 9p13.3.
Variant type: single nucleotide variant.
Coding change: c.535C>T on transcript NM_001142784.3 (MANE Select); coding-DNA position 535, C replaced by T.
Protein change: p.Arg179Cys; replaces arginine 179 with cysteine.
Molecular consequence: missense variant. On other transcripts: non-coding transcript variant (1).
Genome position (GRCh38, 1-based): chr9:34,657,476, C>T. VCF-style: chr9-34657476-C-T. GRCh37 (hg19) VCF-style: chr9-34657473-C-T.
Other names: short protein forms R179C.
Identifiers: ClinVar variation 746974 (VCV000746974.7), dbSNP rs143377309, ClinGen allele CA5036513.